The following is an entry in ClinVar:

ClinVar aggregate classification (germline): Uncertain significance (1 of 4 stars; one submission).

Conditions:
Gnathodiaphyseal dysplasia (GDD). Also called: GNATHODIAPHYSEAL SCLEROSIS; OSTEOGENESIS IMPERFECTA WITH UNUSUAL SKELETAL LESIONS. Identifiers: Orphanet 53697, MedGen C1833736, MONDO:0008151, OMIM 166260.
Autosomal recessive limb-girdle muscular dystrophy type 2L (LGMDR12). Also called: Limb-girdle muscular dystrophy, type 2L; MUSCULAR DYSTROPHY, LIMB-GIRDLE, AUTOSOMAL RECESSIVE 12; Limb-Girdle Muscular Dystrophy R12 Anoctamin-5-Related (LGMD-R12). Identifiers: Orphanet 206549, MedGen C1969785, MONDO:0012652, OMIM 611307.

gnomAD v4.1: 1 of 1,613,332 alleles (0.000062%); no homozygotes.

Submission:

Labcorp Genetics (formerly Invitae), Labcorp
Classification: Uncertain significance for Autosomal recessive limb-girdle muscular dystrophy type 2L; Gnathodiaphyseal dysplasia. Last evaluated: 2025-05-11. Review status: criteria provided, single submitter. Criteria: Invitae Variant Classification Sherloc (09022015). Collection method: clinical testing. Allele origin: germline.
Comment: This sequence change replaces phenylalanine, which is neutral and non-polar, with leucine, which is neutral and non-polar, at codon 207 of the ANO5 protein (p.Phe207Leu). This variant is not present in population databases (gnomAD no frequency). This variant has not been reported in the literature in individuals affected with ANO5-related conditions. Invitae Evidence Modeling of protein sequence and biophysical properties (such as structural, functional, and spatial information, amino acid conservation, physicochemical variation, residue mobility, and thermodynamic stability) has been performed for this missense variant. However, the output from this modeling did not meet the statistical confidence thresholds required to predict the impact of this variant on ANO5 protein function. In summary, the available evidence is currently insufficient to determine the role of this variant in disease. Therefore, it has been classified as a Variant of Uncertain Significance.

NM_213599.3(ANO5):c.619T>C (p.Phe207Leu)

Gene: ANO5 (anoctamin 5; plus strand). Cytogenetic location: 11p14.3.
Variant type: single nucleotide variant.
Coding change: c.619T>C on transcript NM_213599.3 (MANE Select); coding-DNA position 619, T replaced by C.
Protein change: p.Phe207Leu; replaces phenylalanine 207 with leucine.
Molecular consequence: missense variant.
Genome position (GRCh38, 1-based): chr11:22,227,557, T>C. VCF-style: chr11-22227557-T-C. GRCh37 (hg19) VCF-style: chr11-22249103-T-C.
Other names: c.574T>C, p.Phe192Leu (NM_001441301.1, NM_001410964.1, NM_001441299.1); c.526T>C, p.Phe176Leu (NM_001441302.1, NM_001441296.1); c.616T>C, p.Phe206Leu (NM_001142649.2); c.577T>C, p.Phe193Leu (NM_001410963.1, NM_001441298.1, NM_001441300.1); c.541T>C, p.Phe181Leu (NM_001441294.1); c.538T>C, p.Phe180Leu (NM_001441295.1); c.499T>C, p.Phe167Leu (NM_001441297.1); short protein forms F207L, F176L, F192L, F180L, F193L, F206L, F167L, F181L.
Identifiers: ClinVar variation 4791653 (VCV004791653.1).